The following is an entry in ClinVar:

ClinVar aggregate classification (germline): Conflicting classifications of pathogenicity. Review status: criteria provided, conflicting classifications (1 of 4 stars). 3 submissions from 3 submitters: Uncertain significance (1); Likely benign (2). Last evaluated 2025-06-25.

Conditions:
Gorlin syndrome. Also called: Nevoid Basal Cell Carcinoma Syndrome; Basal cell nevus syndrome. Identifiers: Orphanet 377, MedGen C0004779, MONDO:0007187.
Hereditary cancer-predisposing syndrome. Also called: Neoplastic Syndromes, Hereditary; Tumor predisposition; Hereditary Cancer Syndrome; Hereditary neoplastic syndrome. Identifiers: Orphanet 140162, MedGen C0027672, MeSH D009386, MONDO:0015356.

gnomAD v4.1: 1 of 1,614,138 alleles (0.000062%); highest among the groups gnomAD compares: African/African-American, 0.0013%; no homozygotes.

Submissions (3):

Quest Diagnostics Nichols Institute San Juan Capistrano
Classification: Uncertain significance. Last evaluated: 2025-06-25. Review status: criteria provided, single submitter. Criteria: Quest Diagnostics criteria. Collection method: clinical testing. Allele origin: unknown.
Comment: The PTCH1 c.3231G>A (p.Lys1077=) synonymous variant has not been reported in individuals with PTCH1-related conditions in the published literature. It also has not been reported in large, multi-ethnic general populations (Genome Aggregation Database). Analysis of this variant using software algorithms for the prediction of the effect of nucleotide changes on splicing yielded predictions that this variant does not affect PTCH1 mRNA splicing. Based on the available information, we are unable to determine the clinical significance of this variant.

Labcorp Genetics (formerly Invitae), Labcorp
Classification: Likely benign for Gorlin syndrome. Last evaluated: 2024-04-22. Review status: criteria provided, single submitter. Criteria: Invitae Variant Classification Sherloc (09022015). Collection method: clinical testing. Allele origin: germline.

Ambry Genetics
Classification: Likely benign for Hereditary cancer-predisposing syndrome. Last evaluated: 2020-09-24. Review status: criteria provided, single submitter. Criteria: Ambry Variant Classification Scheme 2023. Collection method: clinical testing. Allele origin: germline.

NM_000264.5(PTCH1):c.3231G>A (p.Lys1077=)

Gene: PTCH1 (patched 1; minus strand). Cytogenetic location: 9q22.32.
Variant type: single nucleotide variant.
Coding change: c.3231G>A on transcript NM_000264.5 (MANE Select); coding-DNA position 3231, G replaced by A.
Protein change: p.Lys1077=; no amino-acid change (lysine 1077 retained).
Molecular consequence: synonymous variant. On other transcripts: non-coding transcript variant (1).
Genome position (GRCh38, 1-based): chr9:95,456,351, C>T on the plus strand (G>A on the coding strand, the complement: PTCH1 is on the minus strand). VCF-style: chr9-95456351-C-T. GRCh37 (hg19) VCF-style: chr9-98218633-C-T.
Other names: c.3033G>A, p.Lys1011= (NM_001083602.3); c.3228G>A, p.Lys1076= (NM_001083603.3); c.2778G>A, p.Lys926= (NM_001083604.3, NM_001083605.3, NM_001083606.3 and 1 more transcripts); c.3231G>A (NM_000264.4); c.3075G>A, p.Lys1025= (NM_001354918.2).
Identifiers: ClinVar variation 1729201 (VCV001729201.8), dbSNP rs2136649043, ClinGen allele CA466109350.